The following is an entry in ClinVar:

ClinVar aggregate classification (germline): Uncertain significance. Review status: criteria provided, multiple submitters, no conflicts (2 of 4 stars). 2 submissions from 2 submitters: Uncertain significance (2). Last evaluated 2025-06-01.

Conditions:
Ciliary dyskinesia, primary, 40. Also called: CILIARY DYSKINESIA, PRIMARY, 40, WITH OR WITHOUT SITUS INVERSUS. Identifiers: MedGen C4749028, MONDO:0032664, OMIM 618300.

Allele frequency attached by ClinVar (database versions not stated): gnomAD 0.00001; ExAC 0.00006; 1000 Genomes Project 30x 0.00016; 1000 Genomes Project 0.00020.
gnomAD v4.1: 13 of 1,612,636 alleles (0.00081%); highest among the groups gnomAD compares: Admixed American, 0.02%; no homozygotes.

Submissions (2):

Labcorp Genetics (formerly Invitae), Labcorp
Classification: Uncertain significance. Last evaluated: 2025-06-01. Review status: criteria provided, single submitter. Criteria: Invitae Variant Classification Sherloc (09022015). Collection method: clinical testing. Allele origin: germline.
Comment: This sequence change replaces glycine, which is neutral and non-polar, with aspartic acid, which is acidic and polar, at codon 785 of the DNAH9 protein (p.Gly785Asp). This variant is present in population databases (rs201163987, gnomAD 0.03%). This variant has not been reported in the literature in individuals affected with DNAH9-related conditions. ClinVar contains an entry for this variant (Variation ID: 1372359). An algorithm developed to predict the effect of missense changes on protein structure and function (PolyPhen-2) suggests that this variant is likely to be tolerated. In summary, the available evidence is currently insufficient to determine the role of this variant in disease. Therefore, it has been classified as a Variant of Uncertain Significance.

Baylor Genetics
Classification: Uncertain significance for Ciliary dyskinesia, primary, 40. Last evaluated: 2022-01-24. Review status: criteria provided, single submitter. Criteria: ACMG Guidelines, 2015. Collection method: clinical testing. Allele origin: unknown.

NM_001372.4(DNAH9):c.2354G>A (p.Gly785Asp)

Gene: DNAH9 (dynein axonemal heavy chain 9; plus strand). Cytogenetic location: 17p12.
Variant type: single nucleotide variant.
Coding change: c.2354G>A on transcript NM_001372.4 (MANE Select); coding-DNA position 2354, G replaced by A.
Protein change: p.Gly785Asp; replaces glycine 785 with aspartic acid.
Molecular consequence: missense variant.
Genome position (GRCh38, 1-based): chr17:11,652,761, G>A. VCF-style: chr17-11652761-G-A. GRCh37 (hg19) VCF-style: chr17-11556078-G-A.
Other names: short protein forms G785D.
Identifiers: ClinVar variation 1372359 (VCV001372359.4), dbSNP rs201163987, ClinGen allele CA8395160.
Genomic context (GRCh38, chr17:11,652,761, plus strand): 5'-AGCCCTTTAGCTATGCCACTGCAGGCTATTTCAATTAATTATGTTTCTTTTGGGGAACAG[G>A]CATTTGCGATTATGTCACTGAAATCACCAGTAGTATTCATGATCTTGAACAAAGAATTCA-3'
Protein context (NP_001363.2, residues 775-795): AEETLNWKTE[Gly785Asp]ICDYVTEITS